The following is an entry in ClinVar:

ClinVar aggregate classification (germline): Conflicting classifications of pathogenicity. Review status: criteria provided, conflicting classifications (1 of 4 stars). 6 submissions from 6 submitters: Uncertain significance (4); Likely benign (2). Last evaluated 2026-05-13.

Conditions:
CNGB1-related disorder. Also called: CNGB1-related condition.
Retinal dystrophy. Also called: Inherited retinal dystrophy. Identifiers: Orphanet 71862, MedGen C0854723, MeSH D058499, MONDO:0019118, HP:0000556.

Allele frequency attached by ClinVar (database versions not stated): gnomAD exomes 0.00002 and 0.00004; ExAC 0.00007; gnomAD 0.00014 and 0.00016; TOPMed 0.00019; ESP Exome Variant Server 0.00024; 1000 Genomes Project 30x 0.00031; 1000 Genomes Project 0.00040.
gnomAD v4.1: 53 of 1,614,146 alleles (0.0033%); highest among the groups gnomAD compares: African/African-American, 0.056%; 1 homozygote.

Submissions (6):

PreventionGenetics, part of Exact Sciences
Classification: Uncertain significance for CNGB1-related condition. Last evaluated: 2026-05-13. Review status: criteria provided, single submitter. Criteria: ACMG Guidelines, 2015. Collection method: clinical testing. Allele origin: germline.
Comment: The CNGB1 c.2869G>A variant is predicted to result in the amino acid substitution p.Val957Ile. This variant has been reported along with a second CNGB1 variant in one individual with retinitis pigmentosa (Table S4, Panneman et al. 2023. PubMed ID: 36819107). This variant is present in 0.050% of alleles in individuals of African descent in gnomAD. At this time, the clinical significance of this variant is uncertain due to the absence of conclusive functional and genetic evidence.

Labcorp Genetics (formerly Invitae), Labcorp
Classification: Likely benign. Last evaluated: 2026-01-16. Review status: criteria provided, single submitter. Criteria: Invitae Variant Classification Sherloc (09022015). Collection method: clinical testing. Allele origin: germline.

Blueprint Genetics
Classification: Likely benign. Last evaluated: 2024-11-25. Review status: criteria provided, single submitter. Criteria: ACMG Guidelines, 2015. Collection method: clinical testing. Allele origin: germline.

Institute of Human Genetics, Univ. Regensburg, Univ. Regensburg
Classification: Uncertain significance for Retinal dystrophy. Last evaluated: 2023-01-01. Review status: criteria provided, single submitter. Criteria: ACMG Guidelines, 2015. Collection method: clinical testing. Allele origin: germline. Affected: yes.

GeneDx
Classification: Uncertain significance. Last evaluated: 2020-12-17. Review status: criteria provided, single submitter. Criteria: GeneDx Variant Classification Process June 2021. Collection method: clinical testing. Allele origin: germline. Affected: yes.
Comment: In silico analysis supports that this missense variant does not alter protein structure/function; Has not been previously published as pathogenic or benign to our knowledge

Eurofins Ntd Llc (ga)
Classification: Uncertain significance. Last evaluated: 2016-11-15. Review status: criteria provided, single submitter. Criteria: EGL Classification Definitions 2015. Collection method: clinical testing. Allele origin: germline. Observed: 1 variant allele, 1 heterozygote.

Literature cited by the submitters: PubMed 36819107 (cited by Institute of Human Genetics, Univ. Regensburg, Univ. Regensburg).

NM_001297.5(CNGB1):c.2869G>A (p.Val957Ile)

Gene: CNGB1 (cyclic nucleotide gated channel subunit beta 1; minus strand). Cytogenetic location: 16q21.
Variant type: single nucleotide variant.
Coding change: c.2869G>A on transcript NM_001297.5 (MANE Select); coding-DNA position 2869, G replaced by A.
Protein change: p.Val957Ile; replaces valine 957 with isoleucine.
Molecular consequence: missense variant.
Genome position (GRCh38, 1-based): chr16:57,901,551, C>T on the plus strand (G>A on the coding strand, the complement: CNGB1 is on the minus strand). VCF-style: chr16-57901551-C-T. GRCh37 (hg19) VCF-style: chr16-57935455-C-T.
Other names: c.2851G>A, p.Val951Ile (NM_001286130.2); short protein forms V957I, V951I.
Identifiers: ClinVar variation 497905 (VCV000497905.17), dbSNP rs189261750, ClinGen allele CA8082793.